The following is an entry in ClinVar:

NM_032608.7(MYO18B):c.4453C>T (p.Gln1485Ter)

Genes: MYO18B (myosin XVIIIB; plus strand), MYO18B-AS1 (MYO18B antisense RNA 1; minus strand). Cytogenetic location: 22q12.1.
Variant type: single nucleotide variant.
Coding change: c.4453C>T on transcript NM_032608.7 (MANE Select); coding-DNA position 4453, C replaced by T.
Protein change: p.Gln1485Ter; replaces glutamine 1485 with a stop codon.
Molecular consequence: nonsense.
Genome position (GRCh38, 1-based): chr22:25,891,322, C>T. VCF-style: chr22-25891322-C-T. GRCh37 (hg19) VCF-style: chr22-26287289-C-T.
Other names: c.4456C>T, p.Gln1486Ter (NM_001318245.2); short protein forms Q1485*, Q1486*.
Identifiers: ClinVar variation 3670920 (VCV003670920.2).

ClinVar aggregate classification (germline): Pathogenic (1 of 4 stars; one submission).

Submission:

Labcorp Genetics (formerly Invitae), Labcorp
Classification: Pathogenic. Last evaluated: 2024-04-07. Review status: criteria provided, single submitter. Criteria: Invitae Variant Classification Sherloc (09022015). Collection method: clinical testing. Allele origin: germline.
Comment: This sequence change creates a premature translational stop signal (p.Gln1485*) in the MYO18B gene. It is expected to result in an absent or disrupted protein product. Loss-of-function variants in MYO18B are known to be pathogenic (PMID: 25748484, 32184166, 32637634). This variant is not present in population databases (gnomAD no frequency). This variant has not been reported in the literature in individuals affected with MYO18B-related conditions. Algorithms developed to predict the effect of sequence changes on RNA splicing suggest that this variant may disrupt the consensus splice site. For these reasons, this variant has been classified as Pathogenic.

Literature cited by the submitters: PubMed 25748484; PubMed 32184166; PubMed 32637634.